The following is an entry in ClinVar:

NM_002202.3(ISL1):c.*2G>A

Gene: ISL1 (ISL LIM homeobox 1; plus strand). Cytogenetic location: 5q11.1.
Variant type: single nucleotide variant.
Coding change: c.*2G>A on transcript NM_002202.3 (MANE Select); 2 bases downstream of the stop codon, G replaced by A.
Molecular consequence: 3 prime UTR variant.
Genome position (GRCh38, 1-based): chr5:51,393,612, G>A. VCF-style: chr5-51393612-G-A. GRCh37 (hg19) VCF-style: chr5-50689446-G-A.
Identifiers: ClinVar variation 5000075 (VCV005000075.1).
Genomic context (GRCh38, chr5:51,393,612, plus strand): 5'-TGTCCTCTCAACTTCCAGATACACCTAACAGCATGGTAGCCAGTCCTATTGAGGCATGAG[G>A]AACATTCATTCTGTATTTTTTTTCCCTGTTGGAGAAAGTGGGAAATTATAATGTCGAACT-3'

ClinVar aggregate classification (germline): Likely benign (1 of 4 stars; one submission).

Conditions:
ISL1-related disorder. Also called: ISL1-related condition.

Submission:

PreventionGenetics, part of Exact Sciences
Classification: Likely benign for ISL1-related condition. Last evaluated: 2025-03-05. Review status: criteria provided, single submitter. Criteria: ACMG Guidelines, 2015. Collection method: clinical testing. Allele origin: germline.
Comment: This variant is classified as likely benign based on ACMG/AMP sequence variant interpretation guidelines (Richards et al. 2015 PMID: 25741868, with internal and published modifications).